The following is an entry in ClinVar:

NM_005560.6(LAMA5):c.2659C>T (p.His887Tyr)

Gene: LAMA5 (laminin subunit alpha 5; minus strand). Cytogenetic location: 20q13.33.
Variant type: single nucleotide variant.
Coding change: c.2659C>T on transcript NM_005560.6 (MANE Select); coding-DNA position 2659, C replaced by T.
Protein change: p.His887Tyr; replaces histidine 887 with tyrosine.
Molecular consequence: missense variant.
Genome position (GRCh38, 1-based): chr20:62,334,266, G>A on the plus strand (C>T on the coding strand, the complement: LAMA5 is on the minus strand). VCF-style: chr20-62334266-G-A. GRCh37 (hg19) VCF-style: chr20-60909322-G-A.
Other names: c.2659C>T (NM_005560.4, NM_005560.3); short protein forms H887Y.
Identifiers: ClinVar variation 2156494 (VCV002156494.7), dbSNP rs777193671, ClinGen allele CA9943381.

ClinVar aggregate classification (germline): Conflicting classifications of pathogenicity. Review status: criteria provided, conflicting classifications (1 of 4 stars). 4 submissions from 4 submitters: Uncertain significance (2); Likely benign (2). Last evaluated 2025-09-24.

Conditions:
Inborn genetic diseases. Identifiers: MedGen C0950123, MeSH D030342.
LAMA5-related disorder. Also called: LAMA5-related condition; LAMA5-Related Disorders.

Allele frequency attached by ClinVar (database versions not stated): gnomAD exomes 0.00004; gnomAD 0.00005; TOPMed 0.00008; ExAC 0.00029.
gnomAD v4.1: 60 of 1,612,686 alleles (0.0037%); highest among the groups gnomAD compares: East Asian, 0.13%; no homozygotes.

Submissions (4):

Labcorp Genetics (formerly Invitae), Labcorp
Classification: Likely benign. Last evaluated: 2025-09-24. Review status: criteria provided, single submitter. Criteria: Invitae Variant Classification Sherloc (09022015). Collection method: clinical testing. Allele origin: germline.

GeneDx
Classification: Uncertain significance. Last evaluated: 2024-07-30. Review status: criteria provided, single submitter. Criteria: GeneDx Variant Classification Process June 2021. Collection method: clinical testing. Allele origin: germline. Affected: yes.
Comment: In silico analysis supports that this missense variant has a deleterious effect on protein structure/function; Has not been previously published as pathogenic or benign to our knowledge

Ambry Genetics
Classification: Likely benign for Inborn genetic diseases. Last evaluated: 2024-05-20. Review status: criteria provided, single submitter. Criteria: Ambry Variant Classification Scheme 2023. Collection method: clinical testing. Allele origin: germline.

PreventionGenetics, part of Exact Sciences
Classification: Uncertain significance for LAMA5-related condition. Last evaluated: 2022-12-20. Review status: criteria provided, single submitter. Criteria: ACMG Guidelines, 2015. Collection method: clinical testing. Allele origin: germline.
Comment: The LAMA5 c.2659C>T variant is predicted to result in the amino acid substitution p.His887Tyr. To our knowledge, this variant has not been reported in the literature. This variant is reported in 0.31% of alleles in individuals of East Asian descent in gnomAD. Although we suspect that this variant may be benign, at this time, the clinical significance of this variant is uncertain due to the absence of conclusive functional and genetic evidence.